The following is an entry in ClinVar:

ClinVar aggregate classification (germline): Benign/Likely benign. Review status: criteria provided, multiple submitters, no conflicts (2 of 4 stars). 4 submissions from 4 submitters: Benign (2); Likely benign (1). 1 of the submissions does not count toward it. Last evaluated 2025-02-01.

Conditions:
ZNF407-related disorder. Also called: ZNF407-related condition.

Allele frequency attached by ClinVar (database versions not stated): 1000 Genomes Project 30x 0.00375; 1000 Genomes Project 0.00399; TOPMed 0.00447; ESP Exome Variant Server 0.00453.
gnomAD v4.1: 1,393 of 1,607,550 alleles (0.087%); highest among the groups gnomAD compares: African/African-American, 1.4%; 9 homozygotes.

Submissions (4):

CeGaT Center for Human Genetics Tuebingen
Classification: Likely benign. Last evaluated: 2025-02-01. Review status: criteria provided, single submitter. Criteria: CeGaT Center For Human Genetics Tuebingen Variant Classification Criteria Version 2. Collection method: clinical testing. Allele origin: germline. Affected: yes. Observed: 1 variant allele.
Comment: ZNF407: BP4, BS1

Labcorp Genetics (formerly Invitae), Labcorp
Classification: Benign. Last evaluated: 2019-12-31. Review status: criteria provided, single submitter. Criteria: Invitae Variant Classification Sherloc (09022015). Collection method: clinical testing. Allele origin: germline.

Breakthrough Genomics
Classification: Benign. Review status: criteria provided, single submitter. Criteria: ACMG Guidelines, 2015. Collection method: not provided. Allele origin: germline. Inheritance: Autosomal recessive inheritance. Affected: yes.

PreventionGenetics, part of Exact Sciences
Classification: Benign for ZNF407-related condition. Last evaluated: 2019-08-06. Review status: no assertion criteria provided. Collection method: clinical testing. Allele origin: germline. Not counted in ClinVar's aggregate classification.
Comment: This variant is classified as benign based on ACMG/AMP sequence variant interpretation guidelines (Richards et al. 2015 PMID: 25741868, with internal and published modifications).

NM_017757.3(ZNF407):c.6100G>A (p.Asp2034Asn)

Gene: ZNF407 (zinc finger protein 407; plus strand). Cytogenetic location: 18q22.3.
Variant type: single nucleotide variant.
Coding change: c.6100G>A on transcript NM_017757.3 (MANE Select); coding-DNA position 6100, G replaced by A.
Protein change: p.Asp2034Asn; replaces aspartic acid 2034 with asparagine.
Molecular consequence: missense variant.
Genome position (GRCh38, 1-based): chr18:75,063,821, G>A. VCF-style: chr18-75063821-G-A. GRCh37 (hg19) VCF-style: chr18-72775777-G-A.
Other names: c.6100G>A, p.Asp2034Asn (NM_001384475.1); short protein forms D2034N.
Identifiers: ClinVar variation 784381 (VCV000784381.20), dbSNP rs182605322, ClinGen allele CA9001298.